The following is an entry in ClinVar:

ClinVar aggregate classification (germline): Pathogenic. Review status: criteria provided, single submitter (1 of 4 stars). 2 submissions from 2 submitters: Pathogenic (1). 1 of the submissions does not count toward it. Last evaluated 2025-08-12.

Conditions:
Autism spectrum disorder. Also called: Autism spectrum disorders. Identifiers: MedGen C1510586, MeSH D000067877, MONDO:0005258.

Allele frequency attached by ClinVar (database versions not stated): gnomAD exomes below 0.00001.
gnomAD v4.1: 2 of 1,614,042 alleles (0.00012%); highest among the groups gnomAD compares: Non-Finnish European, 0.00017%; no homozygotes.

Submissions (2):

GeneDx
Classification: Pathogenic. Last evaluated: 2025-08-12. Review status: criteria provided, single submitter. Criteria: GeneDx Variant Classification Process June 2021. Collection method: clinical testing. Allele origin: germline. Affected: yes.
Comment: Nonsense variant predicted to result in protein truncation or nonsense mediated decay in a gene for which loss of function is a known mechanism of disease; Not observed at significant frequency in large population cohorts (gnomAD); This variant is associated with the following publications: (PMID: Wang2022[article], 32312822, 35143101, 37500730)

Yale Center for Mendelian Genomics, Yale University
Classification: Pathogenic for Autism spectrum disorder. Last evaluated: 2020-05-05. Review status: no assertion criteria provided. Collection method: literature only. Allele origin: germline. Affected: yes. Observed: 1 homozygote. Study: Yale Center for Mendelian Genomics. Not counted in ClinVar's aggregate classification.

Literature cited by the submitters: PubMed 32312822 (cited by Yale Center for Mendelian Genomics, Yale University).

NM_016188.5(ACTL6B):c.892C>T (p.Arg298Ter)

Gene: ACTL6B (actin like 6B; minus strand). Cytogenetic location: 7q22.1.
Variant type: single nucleotide variant.
Coding change: c.892C>T on transcript NM_016188.5 (MANE Select); coding-DNA position 892, C replaced by T.
Protein change: p.Arg298Ter; replaces arginine 298 with a stop codon.
Molecular consequence: nonsense. On other transcripts: non-coding transcript variant (1).
Genome position (GRCh38, 1-based): chr7:100,647,015, G>A on the plus strand (C>T on the coding strand, the complement: ACTL6B is on the minus strand). VCF-style: chr7-100647015-G-A. GRCh37 (hg19) VCF-style: chr7-100244638-G-A.
Other names: short protein forms R298*.
Identifiers: ClinVar variation 1344717 (VCV001344717.2), dbSNP rs2131333638, ClinGen allele CA368542977.
Genomic context (GRCh38, chr7:100,647,015, plus strand): 5'-CGCCACACAGCCAAACCTTGACGTTCGAGGGATCAAACAGGCCCTCAGGGATGCGGAGTC[G>A]CTCGGCGCCGTAGTCTGTATTGTAGCCATTGGGCATCTCGTAGTGCACTGTGGGCATTTG-3'